The following is an entry in ClinVar:

NM_021728.4(OTX2):c.782C>T (p.Thr261Ile)

Gene: OTX2 (orthodenticle homeobox 2; minus strand). Cytogenetic location: 14q22.3.
Variant type: single nucleotide variant.
Coding change: c.782C>T on transcript NM_021728.4 (MANE Select); coding-DNA position 782, C replaced by T.
Protein change: p.Thr261Ile; replaces threonine 261 with isoleucine.
Molecular consequence: missense variant. On other transcripts: non-coding transcript variant (2).
Genome position (GRCh38, 1-based): chr14:56,801,847, G>A on the plus strand (C>T on the coding strand, the complement: OTX2 is on the minus strand). VCF-style: chr14-56801847-G-A. GRCh37 (hg19) VCF-style: chr14-57268565-G-A.
Other names: c.758C>T, p.Thr253Ile (NM_001270523.2, NM_001270524.2, NM_172337.3); c.782C>T, p.Thr261Ile (NM_001270525.2); short protein forms T253I, T261I.
Identifiers: ClinVar variation 1974826 (VCV001974826.5), dbSNP rs750679604, ClinGen allele CA7200424.

ClinVar aggregate classification (germline): Uncertain significance (1 of 4 stars; one submission).

Conditions:
Anophthalmia-microphthalmia syndrome. Also called: Anophthalmia - microphthalmia; Anophthalmia/Microphthalmia. Identifiers: Orphanet 98555, MedGen C5680330, MONDO:0020147.

Allele frequency attached by ClinVar (database versions not stated): ExAC 0.00001; gnomAD 0.00004; TOPMed 0.00006.
gnomAD v4.1: 13 of 1,614,086 alleles (0.00081%); highest among the groups gnomAD compares: Middle Eastern, 0.016%; no homozygotes.

Submission:

Labcorp Genetics (formerly Invitae), Labcorp
Classification: Uncertain significance for Anophthalmia-microphthalmia syndrome. Last evaluated: 2023-11-13. Review status: criteria provided, single submitter. Criteria: Invitae Variant Classification Sherloc (09022015). Collection method: clinical testing. Allele origin: germline.
Comment: This sequence change replaces threonine, which is neutral and polar, with isoleucine, which is neutral and non-polar, at codon 253 of the OTX2 protein (p.Thr253Ile). This variant is present in population databases (rs750679604, gnomAD 0.01%). This variant has not been reported in the literature in individuals affected with OTX2-related conditions. ClinVar contains an entry for this variant (Variation ID: 1974826). An algorithm developed to predict the effect of missense changes on protein structure and function (PolyPhen-2) suggests that this variant is likely to be tolerated. In summary, the available evidence is currently insufficient to determine the role of this variant in disease. Therefore, it has been classified as a Variant of Uncertain Significance.